The following is an entry in ClinVar:

NM_139076.3(ABRAXAS1):c.836T>G (p.Phe279Cys)

Gene: ABRAXAS1 (abraxas 1, BRCA1 A complex subunit; minus strand). Cytogenetic location: 4q21.23.
Variant type: single nucleotide variant.
Coding change: c.836T>G on transcript NM_139076.3 (MANE Select); coding-DNA position 836, T replaced by G.
Protein change: p.Phe279Cys; replaces phenylalanine 279 with cysteine.
Molecular consequence: missense variant.
Genome position (GRCh38, 1-based): chr4:83,462,863, A>C on the plus strand (T>G on the coding strand, the complement: ABRAXAS1 is on the minus strand). VCF-style: chr4-83462863-A-C. GRCh37 (hg19) VCF-style: chr4-84384016-A-C.
Other names: p.F279C:TTT>TGT; c.509T>G, p.Phe170Cys (NM_001345962.2); short protein forms F279C, F170C.
Identifiers: ClinVar variation 128227 (VCV000128227.18), dbSNP rs587780268, ClinGen allele CA288656.

ClinVar aggregate classification (germline): Uncertain significance. Review status: criteria provided, multiple submitters, no conflicts (2 of 4 stars). 3 submissions from 3 submitters: Uncertain significance (3). Last evaluated 2024-04-05.

Allele frequency attached by ClinVar (database versions not stated): gnomAD 0.00001; gnomAD exomes 0.00003 and 0.00007; ExAC 0.00012; TOPMed below 0.00001.
gnomAD v4.1: 38 of 1,602,102 alleles (0.0024%); highest among the groups gnomAD compares: Non-Finnish European, 0.0029%; no homozygotes.

Submissions (3):

Ambry Genetics
Classification: Uncertain significance. Last evaluated: 2024-04-05. Review status: criteria provided, single submitter. Criteria: Ambry Variant Classification Scheme 2023. Collection method: clinical testing. Allele origin: germline.
Comment: The p.F279C variant (also known as c.836T>G), located in coding exon 9 of the FAM175A gene, results from a T to G substitution at nucleotide position 836. The phenylalanine at codon 279 is replaced by cysteine, an amino acid with highly dissimilar properties. This amino acid position is conserved. In addition, this alteration is predicted to be tolerated by in silico analysis. Since supporting evidence is limited at this time, the clinical significance of this alteration remains unclear.

GeneDx
Classification: Uncertain significance. Last evaluated: 2023-09-14. Review status: criteria provided, single submitter. Criteria: GeneDx Variant Classification Process June 2021. Collection method: clinical testing. Allele origin: germline. Affected: yes.
Comment: In silico analysis supports that this missense variant does not alter protein structure/function; Has not been previously published as pathogenic or benign to our knowledge; Variants in candidate genes are classified as variants of uncertain significance in accordance with ACMG guidelines (Richards et al., 2015)

Labcorp Genetics (formerly Invitae), Labcorp
Classification: Uncertain significance. Last evaluated: 2022-12-24. Review status: criteria provided, single submitter. Criteria: Invitae Variant Classification Sherloc (09022015). Collection method: clinical testing. Allele origin: germline.
Comment: This variant has not been reported in the literature in individuals affected with ABRAXAS1-related conditions. This variant is present in population databases (rs587780268, gnomAD 0.02%). This sequence change replaces phenylalanine, which is neutral and non-polar, with cysteine, which is neutral and slightly polar, at codon 279 of the ABRAXAS1 protein (p.Phe279Cys). ClinVar contains an entry for this variant (Variation ID: 128227). In summary, the available evidence is currently insufficient to determine the role of this variant in disease. Therefore, it has been classified as a Variant of Uncertain Significance. Advanced modeling of protein sequence and biophysical properties (such as structural, functional, and spatial information, amino acid conservation, physicochemical variation, residue mobility, and thermodynamic stability) performed at Invitae indicates that this missense variant is not expected to disrupt ABRAXAS1 protein function.